The following is an entry in ClinVar:

NM_001271.4(CHD2):c.1994C>A (p.Pro665Gln)

Gene: CHD2 (chromodomain helicase DNA binding protein 2; plus strand). Cytogenetic location: 15q26.1.
Variant type: single nucleotide variant.
Coding change: c.1994C>A on transcript NM_001271.4 (MANE Select); coding-DNA position 1994, C replaced by A.
Protein change: p.Pro665Gln; replaces proline 665 with glutamine.
Molecular consequence: missense variant.
Genome position (GRCh38, 1-based): chr15:92,956,643, C>A. VCF-style: chr15-92956643-C-A. GRCh37 (hg19) VCF-style: chr15-93499873-C-A.
Other names: short protein forms P665Q.
Identifiers: ClinVar variation 421077 (VCV000421077.5), dbSNP rs773901289, ClinGen allele CA16620043.
Genomic context (GRCh38, chr15:92,956,643, plus strand): 5'-CGGGGACCCCTCTTCAGAATTCCCTCAAAGAGCTCTGGTCCTTGCTGCACTTTATTATGC[C>A]GGAGAAGTAAGCTCCTTCCTGTGTATTTCAAAAGATGCTAGAATGTCTGAAATGCCAATG-3'
Protein context (NP_001262.3, residues 655-675): ELWSLLHFIM[Pro665Gln]EKFEFWEDFE

ClinVar aggregate classification (germline): Uncertain significance. Review status: criteria provided, multiple submitters, no conflicts (2 of 4 stars). 2 submissions from 2 submitters: Uncertain significance (2). Last evaluated 2025-07-09.

Conditions:
Developmental and epileptic encephalopathy 94 (DEE94). Also called: Epileptic encephalopathy, childhood-onset; CHD2-Related Neurodevelopmental Disorders. Identifiers: Orphanet 1942, Orphanet 2382, MedGen C3809278, MONDO:0014150, OMIM 615369.

Submissions (2):

Labcorp Genetics (formerly Invitae), Labcorp
Classification: Uncertain significance for Developmental and epileptic encephalopathy 94. Last evaluated: 2025-07-09. Review status: criteria provided, single submitter. Criteria: Invitae Variant Classification Sherloc (09022015). Collection method: clinical testing. Allele origin: germline.
Comment: This sequence change replaces proline, which is neutral and non-polar, with glutamine, which is neutral and polar, at codon 665 of the CHD2 protein (p.Pro665Gln). This variant is not present in population databases (gnomAD no frequency). This variant has not been reported in the literature in individuals affected with CHD2-related conditions. ClinVar contains an entry for this variant (Variation ID: 421077). Invitae Evidence Modeling of protein sequence and biophysical properties (such as structural, functional, and spatial information, amino acid conservation, physicochemical variation, residue mobility, and thermodynamic stability) indicates that this missense variant is expected to disrupt CHD2 protein function with a positive predictive value of 80%. In summary, the available evidence is currently insufficient to determine the role of this variant in disease. Therefore, it has been classified as a Variant of Uncertain Significance.

GeneDx
Classification: Uncertain significance. Last evaluated: 2025-02-18. Review status: criteria provided, single submitter. Criteria: GeneDx Variant Classification Process June 2021. Collection method: clinical testing. Allele origin: germline. Affected: yes.
Comment: Not observed at significant frequency in large population cohorts (gnomAD); In silico analysis supports that this missense variant has a deleterious effect on protein structure/function; Has not been previously published as pathogenic or benign to our knowledge